The following is an entry in ClinVar:

NM_002579.3(PALM):c.1045G>A (p.Glu349Lys)

Gene: PALM (paralemmin; plus strand). Cytogenetic location: 19p13.3.
Variant type: single nucleotide variant.
Coding change: c.1045G>A on transcript NM_002579.3 (MANE Select); coding-DNA position 1045, G replaced by A.
Protein change: p.Glu349Lys; replaces glutamic acid 349 with lysine.
Molecular consequence: missense variant.
Genome position (GRCh38, 1-based): chr19:746,695, G>A. VCF-style: chr19-746695-G-A. GRCh37 (hg19) VCF-style: chr19-746695-G-A.
Other names: c.913G>A, p.Glu305Lys (NM_001040134.2); short protein forms E305K, E349K.
Identifiers: ClinVar variation 1960047 (VCV001960047.5), dbSNP rs529351196, ClinGen allele CA9022859.
Genomic context (GRCh38, chr19:746,695, plus strand): 5'-GTGGTCATCGAAGACGCGGCTGAGCCCAAGGAGCCTGCACCACCCAACGGCAGTGCTGCC[G>A]AGCCTCCCACGGAGGCCGCCTCCAGGGAAGAGAATCAGGCGGGGCCCGAGGCCACCACCA-3'
Protein context (NP_002570.2, residues 339-359): EPAPPNGSAA[Glu349Lys]PPTEAASREE

ClinVar aggregate classification (germline): Uncertain significance (1 of 4 stars; one submission).

Allele frequency attached by ClinVar (database versions not stated): gnomAD 0.00001; ExAC 0.00002; 1000 Genomes Project 0.00020; 1000 Genomes Project 30x 0.00031.
gnomAD v4.1: 17 of 1,609,646 alleles (0.0011%); highest among the groups gnomAD compares: East Asian, 0.0045%; no homozygotes.

Submission:

Labcorp Genetics (formerly Invitae), Labcorp
Classification: Uncertain significance. Last evaluated: 2022-04-04. Review status: criteria provided, single submitter. Criteria: Invitae Variant Classification Sherloc (09022015). Collection method: clinical testing. Allele origin: germline.
Comment: This sequence change replaces glutamic acid, which is acidic and polar, with lysine, which is basic and polar, at codon 349 of the PALM protein (p.Glu349Lys). The frequency data for this variant in the population databases is considered unreliable, as metrics indicate poor data quality at this position in the gnomAD database. This variant has not been reported in the literature in individuals affected with PALM-related conditions. Algorithms developed to predict the effect of missense changes on protein structure and function are either unavailable or do not agree on the potential impact of this missense change (SIFT: "Deleterious"; PolyPhen-2: "Possibly Damaging"; Align-GVGD: "Class C0"). In summary, the available evidence is currently insufficient to determine the role of this variant in disease. Therefore, it has been classified as a Variant of Uncertain Significance.